The following is an entry in ClinVar:

NM_000059.4(BRCA2):c.8357C>A (p.Ala2786Asp)

Gene: BRCA2 (BRCA2 DNA repair associated; plus strand). Cytogenetic location: 13q13.1.
Variant type: single nucleotide variant.
Coding change: c.8357C>A on transcript NM_000059.4 (MANE Select); coding-DNA position 8357, C replaced by A.
Protein change: p.Ala2786Asp; replaces alanine 2786 with aspartic acid.
Molecular consequence: missense variant. On other transcripts: non-coding transcript variant (1).
Genome position (GRCh38, 1-based): chr13:32,370,427, C>A. VCF-style: chr13-32370427-C-A. GRCh37 (hg19) VCF-style: chr13-32944564-C-A.
Other names: c.8261C>A, p.Ala2754Asp (NM_001406719.1); c.8357C>A, p.Ala2786Asp (NM_001406720.1); c.3425C>A, p.Ala1142Asp (NM_001406721.1); c.1940C>A, p.Ala647Asp (NM_001406722.1); short protein forms A2786D, A1142D, A2754D, A647D.
Identifiers: ClinVar variation 2769014 (VCV002769014.3), dbSNP rs2137596619, ClinGen allele CA387752403.

ClinVar aggregate classification (germline): Uncertain significance (1 of 4 stars; one submission).

Conditions:
Hereditary breast ovarian cancer syndrome. Also called: Hereditary breast and ovarian cancer syndrome; Hereditary breast and ovarian cancer syndrome (HBOC); BRCA1- and BRCA2-Associated Hereditary Breast and Ovarian Cancer; Hereditary breast and ovarian cancer; Breast and ovarian cancer; Hereditary breast and/or ovarian cancer syndrome. Identifiers: Orphanet 145, MedGen C0677776, MeSH D061325, MONDO:0003582. Disease mechanism: loss of function.

Submission:

Labcorp Genetics (formerly Invitae), Labcorp
Classification: Uncertain significance for Hereditary breast ovarian cancer syndrome. Last evaluated: 2023-10-16. Review status: criteria provided, single submitter. Criteria: Invitae Variant Classification Sherloc (09022015). Collection method: clinical testing. Allele origin: germline.
Comment: This sequence change replaces alanine, which is neutral and non-polar, with aspartic acid, which is acidic and polar, at codon 2786 of the BRCA2 protein (p.Ala2786Asp). This variant is not present in population databases (gnomAD no frequency). This variant has not been reported in the literature in individuals affected with BRCA2-related conditions. Advanced modeling of protein sequence and biophysical properties (such as structural, functional, and spatial information, amino acid conservation, physicochemical variation, residue mobility, and thermodynamic stability) performed at Invitae indicates that this missense variant is not expected to disrupt BRCA2 protein function. In summary, the available evidence is currently insufficient to determine the role of this variant in disease. Therefore, it has been classified as a Variant of Uncertain Significance.